The following is an entry in ClinVar:

ClinVar aggregate classification (germline): Uncertain significance (1 of 4 stars; one submission).

Submission:

GeneDx
Classification: Uncertain significance. Last evaluated: 2024-05-07. Review status: criteria provided, single submitter. Criteria: GeneDx Variant Classification Process June 2021. Collection method: clinical testing. Allele origin: germline. Affected: yes.
Comment: Not observed at significant frequency in large population cohorts (gnomAD); In silico analysis supports that this missense variant has a deleterious effect on protein structure/function; Has not been previously published as pathogenic or benign to our knowledge

NM_001039591.3(USP9X):c.1610A>G (p.Asp537Gly)

Gene: USP9X (ubiquitin specific peptidase 9 X-linked; plus strand). Cytogenetic location: Xp11.4.
Variant type: single nucleotide variant.
Coding change: c.1610A>G on transcript NM_001039591.3 (MANE Select); coding-DNA position 1610, A replaced by G.
Protein change: p.Asp537Gly; replaces aspartic acid 537 with glycine.
Molecular consequence: missense variant.
Genome position (GRCh38, 1-based): chrX:41,148,559, A>G. VCF-style: chrX-41148559-A-G. GRCh37 (hg19) VCF-style: chrX-41007812-A-G.
Other names: c.1610A>G, p.Asp537Gly (NM_001039590.3, NM_001410748.1, NM_001410749.1); short protein forms D537G.
Identifiers: ClinVar variation 3378150 (VCV003378150.1).